The following is an entry in ClinVar:

NM_001384732.1(CPLANE1):c.8498G>A (p.Ser2833Asn)

Gene: CPLANE1 (ciliogenesis and planar polarity effector complex subunit 1; minus strand). Cytogenetic location: 5p13.2.
Variant type: single nucleotide variant.
Coding change: c.8498G>A on transcript NM_001384732.1 (MANE Select); coding-DNA position 8498, G replaced by A.
Protein change: p.Ser2833Asn; replaces serine 2833 with asparagine.
Molecular consequence: missense variant.
Genome position (GRCh38, 1-based): chr5:37,142,444, C>T on the plus strand (G>A on the coding strand, the complement: CPLANE1 is on the minus strand). VCF-style: chr5-37142444-C-T. GRCh37 (hg19) VCF-style: chr5-37142546-C-T.
Other names: c.8336G>A, p.Ser2779Asn (NM_023073.4); short protein forms S2779N, S2833N.
Identifiers: ClinVar variation 2500535 (VCV002500535.1), dbSNP rs766198617, ClinGen allele CA359472821.

ClinVar aggregate classification (germline): Uncertain significance (1 of 4 stars; one submission).

Allele frequency attached by ClinVar (database versions not stated): TOPMed 0.00001.
gnomAD v4.1: 6 of 1,605,334 alleles (0.00037%); highest among the groups gnomAD compares: East Asian, 0.014%; no homozygotes.

Submission:

GeneDx
Classification: Uncertain significance. Last evaluated: 2022-10-27. Review status: criteria provided, single submitter. Criteria: GeneDx Variant Classification Process June 2021. Collection method: clinical testing. Allele origin: germline. Affected: yes.
Comment: Not observed at significant frequency in large population cohorts (gnomAD); In silico analysis supports that this missense variant does not alter protein structure/function; Has not been previously published as pathogenic or benign to our knowledge